The following is an entry in ClinVar:

NC_000010.10:g.(?_102505467)_(102510649_102539254)del

Gene: PAX2 (paired box 2; plus strand). Cytogenetic location: 10q24.31.
Variant type: Deletion.
Identifiers: ClinVar variation 1804755 (VCV001804755.1).

ClinVar aggregate classification (germline): Likely pathogenic (1 of 4 stars; one submission).

Conditions:
PAX2-Related Disorder. Also called: PAX2-related disorders. Identifiers: MedGen CN381309.

Submission:

Women's Health and Genetics/Laboratory Corporation of America, LabCorp
Classification: Likely pathogenic for PAX2-Related Disorders. Last evaluated: 2022-11-01. Review status: criteria provided, single submitter. Criteria: LabCorp Variant Classification Summary - May 2015. Collection method: clinical testing. Allele origin: germline.
Comment: Variant summary: The variant identified by MLPA or other technology involves the deletion of exons 1-3 in the PAX2 gene. A presumed nomenclature of c.(?_-551)_(410+1_411-1)del has been designated for the purposes of this classification. Although exact breakpoints of this CNV are not known, it is expected to result in a large deletion in the PAX2 gene, including the initiation codon and is predicted to result either in absence of the protein or truncation of the encoded protein due to translation initiation at a downstream codon (p.M333). The variant was absent in 21694 control chromosomes (gnomAD, Structural Variants dataset). Deletion of Exons 1-3 has been reported in the literature in at-least one individual affected with congenital anomalies of the kidney and urinary tract (example: Heidet_2017). To our knowledge, no experimental evidence demonstrating an impact on protein function has been reported. No clinical diagnostic laboratories have submitted clinical-significance assessments for this variant to ClinVar after 2014. Based on the evidence outlined above, the variant was classified as likely pathogenic.

Literature cited by the submitters: PubMed 28566479.